The following is an entry in ClinVar:

NM_003242.6(TGFBR2):c.364A>C (p.Ile122Leu)

Gene: TGFBR2 (transforming growth factor beta receptor 2; plus strand). Cytogenetic location: 3p24.1.
Variant type: single nucleotide variant.
Coding change: c.364A>C on transcript NM_003242.6 (MANE Select); coding-DNA position 364, A replaced by C.
Protein change: p.Ile122Leu; replaces isoleucine 122 with leucine.
Molecular consequence: missense variant.
Genome position (GRCh38, 1-based): chr3:30,650,370, A>C. VCF-style: chr3-30650370-A-C. GRCh37 (hg19) VCF-style: chr3-30691862-A-C.
Other names: c.439A>C, p.Ile147Leu (NM_001024847.3, NM_001407126.1, NM_001407139.1); c.364A>C, p.Ile122Leu (NM_001407127.1, NM_001407130.1); c.391A>C, p.Ile131Leu (NM_001407128.1); c.259A>C, p.Ile87Leu (NM_001407129.1, NM_001407132.1, NM_001407133.1 and 3 more transcripts); short protein forms I147L, I87L, I122L, I131L.
Identifiers: ClinVar variation 2175413 (VCV002175413.4), dbSNP rs2470521046, ClinGen allele CA351806920.
Genomic context (GRCh38, chr3:30,650,370, plus strand): 5'-CATGACCCCAAGCTCCCCTACCATGACTTTATTCTGGAAGATGCTGCTTCTCCAAAGTGC[A>C]TTATGAAGGAAAAAAAAAAGCCTGGTGAGACTTTCTTCATGTGTTCCTGTAGCTCTGATG-3'
Protein context (NP_003233.4, residues 112-132): ILEDAASPKC[Ile122Leu]MKEKKKPGET

ClinVar aggregate classification (germline): Uncertain significance. Review status: criteria provided, multiple submitters, no conflicts (2 of 4 stars). 2 submissions from 2 submitters: Uncertain significance (2). Last evaluated 2025-09-08.

Conditions:
Familial thoracic aortic aneurysm and aortic dissection (TAAD). Also called: Thoracic aortic aneurysms and dissections. Identifiers: Orphanet 91387, MedGen C4707243, MONDO:0019625.

Submissions (2):

Color Diagnostics, LLC DBA Color Health
Classification: Uncertain significance for Familial thoracic aortic aneurysm and aortic dissection. Last evaluated: 2025-09-08. Review status: criteria provided, single submitter. Criteria: ACMG Guidelines, 2015. Collection method: clinical testing. Allele origin: germline.
Comment: This missense variant replaces isoleucine with leucine at codon 122 of the TGFBR2 protein. Computational prediction suggests that this variant may not impact protein structure and function. To our knowledge, functional studies have not been reported for this variant. This variant has not been reported in individuals affected with TGFBR2-related disorders in the literature. This variant has not been identified in the general population by the Genome Aggregation Database (gnomAD). The available evidence is insufficient to determine the role of this variant in disease conclusively. Therefore, this variant is classified as a Variant of Uncertain Significance.

Labcorp Genetics (formerly Invitae), Labcorp
Classification: Uncertain significance for Familial thoracic aortic aneurysm and aortic dissection. Last evaluated: 2023-12-11. Review status: criteria provided, single submitter. Criteria: Invitae Variant Classification Sherloc (09022015). Collection method: clinical testing. Allele origin: germline.
Comment: This sequence change replaces isoleucine, which is neutral and non-polar, with leucine, which is neutral and non-polar, at codon 122 of the TGFBR2 protein (p.Ile122Leu). This variant is not present in population databases (gnomAD no frequency). This variant has not been reported in the literature in individuals affected with TGFBR2-related conditions. ClinVar contains an entry for this variant (Variation ID: 2175413). Advanced modeling of protein sequence and biophysical properties (such as structural, functional, and spatial information, amino acid conservation, physicochemical variation, residue mobility, and thermodynamic stability) performed at Invitae indicates that this missense variant is not expected to disrupt TGFBR2 protein function with a negative predictive value of 95%. In summary, the available evidence is currently insufficient to determine the role of this variant in disease. Therefore, it has been classified as a Variant of Uncertain Significance.